The following is an entry in ClinVar:

ClinVar aggregate classification (germline): Uncertain significance (1 of 4 stars; one submission).

Conditions:
BBS1-related disorder. Also called: BBS1-related condition.

gnomAD v4.1: 1 of 1,614,072 alleles (0.000062%); highest among the groups gnomAD compares: Non-Finnish European, 0.000085%; no homozygotes.

Submission:

PreventionGenetics, part of Exact Sciences
Classification: Uncertain significance for BBS1-related condition. Last evaluated: 2025-07-16. Review status: criteria provided, single submitter. Criteria: ACMG Guidelines, 2015. Collection method: clinical testing. Allele origin: germline.
Comment: The BBS1 c.887T>G variant is predicted to result in the amino acid substitution p.Ile296Ser. To our knowledge, this variant has not been reported in the literature or in a large population database (gnomAD), indicating this variant is rare. At this time, the clinical significance of this variant is uncertain due to the absence of conclusive functional and genetic evidence.

NM_024649.5(BBS1):c.887T>G (p.Ile296Ser)

Genes: BBS1 (Bardet-Biedl syndrome 1; plus strand), ZDHHC24 (zDHHC palmitoyltransferase 24; minus strand). Cytogenetic location: 11q13.2.
Variant type: single nucleotide variant.
Coding change: c.887T>G on transcript NM_024649.5 (MANE Select); coding-DNA position 887, T replaced by G.
Protein change: p.Ile296Ser; replaces isoleucine 296 with serine.
Molecular consequence: missense variant. On other transcripts: intron variant (1).
Genome position (GRCh38, 1-based): chr11:66,523,512, T>G. VCF-style: chr11-66523512-T-G. GRCh37 (hg19) VCF-style: chr11-66290983-T-G.
Other names: c.*22-2046A>C (NM_001348571.2); short protein forms I296S.
Identifiers: ClinVar variation 4998135 (VCV004998135.1).